The following is an entry in ClinVar:

ClinVar aggregate classification (germline): Likely pathogenic. Review status: criteria provided, single submitter (1 of 4 stars). 2 submissions from 2 submitters: Likely pathogenic (1). 1 of the submissions does not count toward it. Last evaluated 2024-04-18.

Conditions:
Bardet-Biedl syndrome 1 (BBS1). Identifiers: MedGen C2936862, MONDO:0008854, OMIM 209900. Disease mechanism: loss of function.
BBS1-related disorder. Also called: BBS1-related condition.

Submissions (2):

Natera, Inc.
Classification: Likely pathogenic for Bardet-Biedl syndrome type 1. Last evaluated: 2024-04-18. Review status: criteria provided, single submitter. Criteria: Natera Variant Classification Schema (03/2026). Collection method: clinical testing. Allele origin: germline.
Comment: The c.1303_1313delGTGGATCAGAC variant in BBS1 is a frameshift variant predicted to shift the reading frame beginning at codon 435 and leads to a stop codon 62 codons downstream. This variant is expected to result in nonsense mediated decay, truncation, or a dysfunctional protein product. This variant is rare in the general population with a frequency below the threshold expected for the associated phenotype(s). Given the available evidence, this variant is classified as Likely Pathogenic.

PreventionGenetics, part of Exact Sciences
Classification: Likely pathogenic for BBS1-related condition. Last evaluated: 2024-03-26. Review status: no assertion criteria provided. Collection method: clinical testing. Allele origin: germline. Not counted in ClinVar's aggregate classification.
Comment: The BBS1 c.1303_1313del11 variant is predicted to result in a frameshift and premature protein termination (p.Val435Thrfs*62). This variant has been reported as a carrier variant in a large cohort of individuals from public databases being evaluated for autosomal recessive (AR) inherited retinal diseases (Table S3, Hanany et al. 2020. PubMed ID: 31964843). This variant is reported in 0.0080% of alleles in individuals of African descent in gnomAD. Frameshift variants in BBS1 are expected to be pathogenic. This variant is interpreted as likely pathogenic.

NM_024649.5(BBS1):c.1303_1313del (p.Val435fs)

Genes: BBS1 (Bardet-Biedl syndrome 1; plus strand), ZDHHC24 (zDHHC palmitoyltransferase 24; minus strand). Cytogenetic location: 11q13.2.
Variant type: Deletion.
Coding change: c.1303_1313del on transcript NM_024649.5 (MANE Select); coding-DNA positions 1303 to 1313, 11 bases deleted (GTGGATCAGAC).
Protein change: p.Val435fs; shifts the reading frame from valine 435.
Molecular consequence: frameshift variant. On other transcripts: intron variant (1).
Genome position (GRCh38, 1-based): chr11:66,526,771-66,526,781, GTGGATCAGAC deleted; deleting any 11 consecutive bases within chr11:66,526,769-66,526,781 gives the same sequence; the c. name uses the placement nearest the transcript's 3' end. VCF-style (leftmost placement, unchanged base first): chr11-66526768-TACGTGGATCAG-T. GRCh37 (hg19) VCF-style: chr11-66294239-TACGTGGATCAG-T.
Other names: c.*21+157_*21+167del (NM_001348571.2); short protein forms V435fs.
Identifiers: ClinVar variation 3357858 (VCV003357858.1).